The following is an entry in ClinVar:

ClinVar aggregate classification (germline): Uncertain significance. Review status: criteria provided, multiple submitters, no conflicts (2 of 4 stars). 2 submissions from 2 submitters: Uncertain significance (2). Last evaluated 2022-08-17.

Conditions:
Inborn genetic diseases. Identifiers: MedGen C0950123, MeSH D030342.
Congenital myasthenic syndrome 8. Also called: Myasthenic syndrome, congenital, 8, with pre- and postsynaptic defects; MYASTHENIC SYNDROME, CONGENITAL, DUE TO AGRIN DEFICIENCY. Identifiers: Orphanet 590, MedGen C3808739, MONDO:0014052, OMIM 615120.

Allele frequency attached by ClinVar (database versions not stated): gnomAD 0.00001; gnomAD exomes 0.00001 and 0.00003; TOPMed 0.00001; ExAC 0.00003; ESP Exome Variant Server 0.00008.
gnomAD v4.1: 9 of 1,611,084 alleles (0.00056%); highest among the groups gnomAD compares: Admixed American, 0.01%; no homozygotes.

Submissions (2):

Ambry Genetics
Classification: Uncertain significance for Inborn genetic diseases. Last evaluated: 2022-08-17. Review status: criteria provided, single submitter. Criteria: Ambry Variant Classification Scheme 2023. Collection method: clinical testing. Allele origin: germline.

Labcorp Genetics (formerly Invitae), Labcorp
Classification: Uncertain significance for Congenital myasthenic syndrome 8. Last evaluated: 2022-01-13. Review status: criteria provided, single submitter. Criteria: Invitae Variant Classification Sherloc (09022015). Collection method: clinical testing. Allele origin: germline.
Comment: This sequence change replaces glycine, which is neutral and non-polar, with cysteine, which is neutral and slightly polar, at codon 887 of the AGRN protein (p.Gly887Cys). This variant is present in population databases (rs373631709, gnomAD 0.01%). This variant has not been reported in the literature in individuals affected with AGRN-related conditions. ClinVar contains an entry for this variant (Variation ID: 845666). Algorithms developed to predict the effect of missense changes on protein structure and function are either unavailable or do not agree on the potential impact of this missense change (SIFT: "Deleterious"; PolyPhen-2: "Probably Damaging"; Align-GVGD: "Class C0"). In summary, the available evidence is currently insufficient to determine the role of this variant in disease. Therefore, it has been classified as a Variant of Uncertain Significance.

NM_198576.4(AGRN):c.2659G>T (p.Gly887Cys)

Gene: AGRN (agrin; plus strand). Cytogenetic location: 1p36.33.
Variant type: single nucleotide variant.
Coding change: c.2659G>T on transcript NM_198576.4 (MANE Select); coding-DNA position 2659, G replaced by T.
Protein change: p.Gly887Cys; replaces glycine 887 with cysteine.
Molecular consequence: missense variant.
Genome position (GRCh38, 1-based): chr1:1,045,855, G>T. VCF-style: chr1-1045855-G-T. GRCh37 (hg19) VCF-style: chr1-981235-G-T.
Other names: c.2659G>T, p.Gly887Cys (NM_001305275.2); c.2344G>T, p.Gly782Cys (NM_001364727.2); short protein forms G782C, G887C.
Identifiers: ClinVar variation 845666 (VCV000845666.5), dbSNP rs373631709, ClinGen allele CA508731.